The following is an entry in ClinVar:

NM_000550.3(TYRP1):c.913+1G>T

Gene: TYRP1 (tyrosinase related protein 1; plus strand). Cytogenetic location: 9p23.
Variant type: single nucleotide variant.
Coding change: c.913+1G>T on transcript NM_000550.3 (MANE Select); the canonical splice donor site of the intron after coding-DNA position 913, G replaced by T.
Molecular consequence: splice donor variant.
Genome position (GRCh38, 1-based): chr9:12,698,656, G>T. VCF-style: chr9-12698656-G-T. GRCh37 (hg19) VCF-style: chr9-12698656-G-T.
Identifiers: ClinVar variation 2735248 (VCV002735248.3), dbSNP rs748926400, ClinGen allele CA372940393.

ClinVar aggregate classification (germline): Likely pathogenic (1 of 4 stars; one submission).

Submission:

Labcorp Genetics (formerly Invitae), Labcorp
Classification: Likely pathogenic. Last evaluated: 2023-09-15. Review status: criteria provided, single submitter. Criteria: Invitae Variant Classification Sherloc (09022015). Collection method: clinical testing. Allele origin: germline.
Comment: This sequence change affects a donor splice site in intron 4 of the TYRP1 gene. It is expected to disrupt RNA splicing. Variants that disrupt the donor or acceptor splice site typically lead to a loss of protein function (PMID: 16199547), and loss-of-function variants in TYRP1 are known to be pathogenic (PMID: 8651291, 9345097). This variant is not present in population databases (gnomAD no frequency). Disruption of this splice site has been observed in individual(s) with oculocutaneous albinism (PMID: 34897530). Algorithms developed to predict the effect of sequence changes on RNA splicing suggest that this variant may disrupt the consensus splice site. In summary, the currently available evidence indicates that the variant is pathogenic, but additional data are needed to prove that conclusively. Therefore, this variant has been classified as Likely Pathogenic.

Literature cited by the submitters: PubMed 16199547; PubMed 8651291; PubMed 9345097; PubMed 34897530.